The following is an entry in ClinVar:

NM_014946.4(SPAST):c.1036G>C (p.Gly346Arg)

Gene: SPAST (spastin; plus strand). Cytogenetic location: 2p22.3.
Variant type: single nucleotide variant.
Coding change: c.1036G>C on transcript NM_014946.4 (MANE Select); coding-DNA position 1036, G replaced by C.
Protein change: p.Gly346Arg; replaces glycine 346 with arginine.
Molecular consequence: missense variant.
Genome position (GRCh38, 1-based): chr2:32,116,150, G>C. VCF-style: chr2-32116150-G-C. GRCh37 (hg19) VCF-style: chr2-32341219-G-C.
Other names: c.1033G>C, p.Gly345Arg (NM_001363823.2); c.937G>C, p.Gly313Arg (NM_001363875.2); c.940G>C, p.Gly314Arg (NM_001377959.1, NM_199436.2); short protein forms G313R, G314R, G345R, G346R.
Identifiers: ClinVar variation 3026606 (VCV003026606.22), dbSNP rs1553315326, ClinGen allele CA346499664.
Genomic context (GRCh38, chr2:32,116,150, plus strand): 5'-GTAGAACTAACTGAGGTCTTGTTTCTTAGTGGAACAGCTGTTAAATTTGATGATATAGCT[G>C]GTCAAGACTTGGCAAAACAAGCATTGCAAGAAATTGTTATTCTTCCTTCTCTGAGGCCTG-3'
Protein context (NP_055761.2, residues 336-356): GTAVKFDDIA[Gly346Arg]QDLAKQALQE

ClinVar aggregate classification (germline): Likely pathogenic (1 of 4 stars; one submission).

Submission:

CeGaT Center for Human Genetics Tuebingen
Classification: Likely pathogenic. Last evaluated: 2023-12-01. Review status: criteria provided, single submitter. Criteria: CeGaT Center For Human Genetics Tuebingen Variant Classification Criteria Version 2. Collection method: clinical testing. Allele origin: germline. Affected: yes. Observed: 2 variant alleles.
Comment: SPAST: PM1, PM2, PM5, PP2, PP3